The following is an entry in ClinVar:

NM_002691.4(POLD1):c.1865T>C (p.Leu622Pro)

Gene: POLD1 (DNA polymerase delta 1, catalytic subunit; plus strand). Cytogenetic location: 19q13.33.
Variant type: single nucleotide variant.
Coding change: c.1865T>C on transcript NM_002691.4 (MANE Select); coding-DNA position 1865, T replaced by C.
Protein change: p.Leu622Pro; replaces leucine 622 with proline.
Molecular consequence: missense variant. On other transcripts: non-coding transcript variant (1).
Genome position (GRCh38, 1-based): chr19:50,408,874, T>C. VCF-style: chr19-50408874-T-C. GRCh37 (hg19) VCF-style: chr19-50912131-T-C.
Other names: c.1865T>C, p.Leu622Pro (NM_001256849.1, NM_001438210.1, NM_001438211.1 and 2 more transcripts); c.1943T>C, p.Leu648Pro (NM_001308632.1); short protein forms L648P, L622P.
Identifiers: ClinVar variation 4841593 (VCV004841593.1).

ClinVar aggregate classification (germline): Uncertain significance (1 of 4 stars; one submission).

Conditions:
Hereditary cancer-predisposing syndrome. Also called: Neoplastic Syndromes, Hereditary; Tumor predisposition; Hereditary Cancer Syndrome; Hereditary neoplastic syndrome. Identifiers: Orphanet 140162, MedGen C0027672, MeSH D009386, MONDO:0015356.

Submission:

Ambry Genetics
Classification: Uncertain significance for Hereditary cancer-predisposing syndrome. Last evaluated: 2025-12-15. Review status: criteria provided, single submitter. Criteria: Ambry Variant Classification Scheme 2023. Collection method: clinical testing. Allele origin: germline.
Comment: The p.L622P variant (also known as c.1865T>C), located in coding exon 14 of the POLD1 gene, results from a T to C substitution at nucleotide position 1865. The leucine at codon 622 is replaced by proline, an amino acid with similar properties. This amino acid position is conserved. In addition, this alteration is predicted to be deleterious by in silico analysis. Based on the available evidence, the clinical significance of this variant remains unclear.